The following is an entry in ClinVar:

NM_003002.4(SDHD):c.461C>G (p.Ala154Gly)

Gene: SDHD (succinate dehydrogenase complex subunit D; plus strand). Cytogenetic location: 11q23.1.
Variant type: single nucleotide variant.
Coding change: c.461C>G on transcript NM_003002.4 (MANE Select); coding-DNA position 461, C replaced by G.
Protein change: p.Ala154Gly; replaces alanine 154 with glycine.
Molecular consequence: missense variant. On other transcripts: 3 prime UTR variant (2), non-coding transcript variant (1).
Genome position (GRCh38, 1-based): chr11:112,094,951, C>G. VCF-style: chr11-112094951-C-G. GRCh37 (hg19) VCF-style: chr11-111965675-C-G.
Other names: c.*58C>G (NM_001276503.2); c.344C>G, p.Ala115Gly (NM_001276504.2); c.*159C>G (NM_001276506.2); short protein forms A115G, A154G.
Identifiers: ClinVar variation 4783669 (VCV004783669.1).

ClinVar aggregate classification (germline): Uncertain significance (1 of 4 stars; one submission).

Conditions:
Pheochromocytoma. Also called: MAX-Related Hereditary Paraganglioma-Pheochromocytoma Syndrome. Identifiers: Orphanet 29072, MedGen C0031511, MONDO:0008233, OMIM 171300, HP:0002666.
Carney-Stratakis syndrome. Also called: PARAGANGLIOMA AND GASTROINTESTINAL STROMAL TUMOR. Identifiers: Orphanet 97286, MedGen C1847319, MONDO:0011740, OMIM 606864.
Cowden syndrome 3 (CWS3). Identifiers: Orphanet 201, MedGen CN166604, MONDO:0014045.
Paragangliomas with sensorineural hearing loss. Identifiers: MedGen C1868633.

Submission:

Labcorp Genetics (formerly Invitae), Labcorp
Classification: Uncertain significance for Carney-Stratakis syndrome; Paragangliomas with sensorineural hearing loss; Pheochromocytoma; Cowden syndrome 3. Last evaluated: 2025-09-07. Review status: criteria provided, single submitter. Criteria: Invitae Variant Classification Sherloc (09022015). Collection method: clinical testing. Allele origin: germline.
Comment: This sequence change replaces alanine, which is neutral and non-polar, with glycine, which is neutral and non-polar, at codon 154 of the SDHD protein (p.Ala154Gly). This variant is not present in population databases (gnomAD no frequency). This variant has not been reported in the literature in individuals affected with SDHD-related conditions. Invitae Evidence Modeling of protein sequence and biophysical properties (such as structural, functional, and spatial information, amino acid conservation, physicochemical variation, residue mobility, and thermodynamic stability) indicates that this missense variant is expected to disrupt SDHD protein function with a positive predictive value of 95%. In summary, the available evidence is currently insufficient to determine the role of this variant in disease. Therefore, it has been classified as a Variant of Uncertain Significance.